The following is an entry in ClinVar:

ClinVar aggregate classification (germline): Uncertain significance. Review status: criteria provided, multiple submitters, no conflicts (2 of 4 stars). 3 submissions from 3 submitters: Uncertain significance (3). Last evaluated 2023-08-08.

Conditions:
Idiopathic Pulmonary Fibrosis. Also called: Idiopathic fibrosing alveolitis, chronic form; idiopathic fibrosing alveolitis. Identifiers: Orphanet 2032, MedGen C1800706, MeSH D054990, MONDO:0800504.
Dyskeratosis congenita, autosomal dominant 2. Identifiers: MedGen C3151443, MONDO:0013521, OMIM 613989.
Dyskeratosis congenita. Identifiers: Orphanet 1775, MedGen C0265965, MONDO:0015780.

Submissions (3):

Baylor Genetics
Classification: Uncertain significance for Dyskeratosis congenita, autosomal dominant 2. Last evaluated: 2023-08-08. Review status: criteria provided, single submitter. Criteria: ACMG Guidelines, 2015. Collection method: clinical testing. Allele origin: unknown.

Labcorp Genetics (formerly Invitae), Labcorp
Classification: Uncertain significance for Dyskeratosis congenita, autosomal dominant 2; Idiopathic Pulmonary Fibrosis. Last evaluated: 2023-07-31. Review status: criteria provided, single submitter. Criteria: Invitae Variant Classification Sherloc (09022015). Collection method: clinical testing. Allele origin: germline.
Comment: In summary, the available evidence is currently insufficient to determine the role of this variant in disease. Therefore, it has been classified as a Variant of Uncertain Significance. Advanced modeling of protein sequence and biophysical properties (such as structural, functional, and spatial information, amino acid conservation, physicochemical variation, residue mobility, and thermodynamic stability) performed at Invitae indicates that this missense variant is not expected to disrupt TERT protein function. ClinVar contains an entry for this variant (Variation ID: 2313174). This variant has not been reported in the literature in individuals affected with TERT-related conditions. This variant is not present in population databases (gnomAD no frequency). This sequence change replaces alanine, which is neutral and non-polar, with serine, which is neutral and polar, at codon 660 of the TERT protein (p.Ala660Ser).

Ambry Genetics
Classification: Uncertain significance for Dyskeratosis congenita. Last evaluated: 2022-09-22. Review status: criteria provided, single submitter. Criteria: Ambry Variant Classification Scheme 2023. Collection method: clinical testing. Allele origin: germline.

NM_198253.3(TERT):c.1978G>T (p.Ala660Ser)

Gene: TERT (telomerase reverse transcriptase; minus strand). Cytogenetic location: 5p15.33.
Variant type: single nucleotide variant.
Coding change: c.1978G>T on transcript NM_198253.3 (MANE Select); coding-DNA position 1978, G replaced by T.
Protein change: p.Ala660Ser; replaces alanine 660 with serine.
Molecular consequence: missense variant. On other transcripts: non-coding transcript variant (2).
Genome position (GRCh38, 1-based): chr5:1,279,443, C>A on the plus strand (G>T on the coding strand, the complement: TERT is on the minus strand). VCF-style: chr5-1279443-C-A. GRCh37 (hg19) VCF-style: chr5-1279558-C-A.
Other names: c.1978G>T, p.Ala660Ser (NM_001193376.3, NM_003219.1); short protein forms A660S.
Identifiers: ClinVar variation 2313174 (VCV002313174.6), dbSNP rs1749861689, ClinGen allele CA359080808.